The following is an entry in ClinVar:

ClinVar aggregate classification (germline): Uncertain significance. Review status: criteria provided, multiple submitters, no conflicts (2 of 4 stars). 4 submissions from 4 submitters: Uncertain significance (4). Last evaluated 2025-12-30.

Conditions:
Tuberous sclerosis 1 (TSC1). Identifiers: Orphanet 805, MedGen C1854465, MONDO:0008612, OMIM 191100.
Hereditary cancer-predisposing syndrome. Also called: Hereditary neoplastic syndrome; Hereditary Cancer Syndrome; Tumor predisposition; Neoplastic Syndromes, Hereditary. Identifiers: Orphanet 140162, MedGen C0027672, MeSH D009386, MONDO:0015356.
Isolated focal cortical dysplasia type II (FCORD2). Also called: CORTICAL DYSPLASIA OF TAYLOR; Focal cortical dysplasia type II. Identifiers: Orphanet 268994, MedGen C1846385, MONDO:0011818, OMIM 607341, HP:0032051.

Submissions (4):

Labcorp Genetics (formerly Invitae), Labcorp
Classification: Uncertain significance for Tuberous sclerosis 1. Last evaluated: 2025-12-30. Review status: criteria provided, single submitter. Criteria: Invitae Variant Classification Sherloc (09022015). Collection method: clinical testing. Allele origin: germline.
Comment: This sequence change affects a donor splice site in intron 22 of the TSC1 gene. RNA analysis indicates that disruption of this splice site induces altered splicing and likely results in a shortened protein product. This variant is not present in population databases (gnomAD no frequency). This variant has not been reported in the literature in individuals affected with TSC1-related conditions. ClinVar contains an entry for this variant (Variation ID: 2428914). Variants that disrupt the consensus splice site are a relatively common cause of aberrant splicing (PMID: 17576681, 9536098). Studies have shown that disruption of this splice site results in skipping of exon 22, but is expected to preserve the integrity of the reading-frame (internal data). In summary, the available evidence is currently insufficient to determine the role of this variant in disease. Therefore, it has been classified as a Variant of Uncertain Significance.

Ambry Genetics
Classification: Uncertain significance for Hereditary cancer-predisposing syndrome. Last evaluated: 2025-04-29. Review status: criteria provided, single submitter. Criteria: Ambry Variant Classification Scheme 2023. Collection method: clinical testing. Allele origin: germline.
Comment: The c.2975+1G>A intronic variant results from a G to A substitution one nucleotide after coding exon 20 of the TSC1 gene. This nucleotide position is highly conserved in available vertebrate species. In silico splice site analysis predicts that this alteration will weaken the native splice donor site. RNA studies have demonstrated that this alteration results in a transcript predicted to lead to a protein with an in-frame deletion of 54 amino acids; however, the exact functional impact of the deleted amino acids is unknown at this time (Ambry internal data). Based on the available evidence, the clinical significance of this variant remains unclear.

Baylor Genetics
Classification: Uncertain significance for Isolated focal cortical dysplasia type II. Last evaluated: 2023-05-24. Review status: criteria provided, single submitter. Criteria: ACMG Guidelines, 2015. Collection method: clinical testing. Allele origin: unknown.

GeneDx
Classification: Uncertain significance. Last evaluated: 2022-08-05. Review status: criteria provided, single submitter. Criteria: GeneDx Variant Classification Process June 2021. Collection method: clinical testing. Allele origin: germline. Affected: yes.
Comment: Canonical splice site variant expected to result in aberrant splicing, although in the absence of functional evidence the actual effect of this sequence change is unknown.; Not observed at significant frequency in large population cohorts (gnomAD); Has not been previously published as pathogenic or benign to our knowledge; This variant is associated with the following publications: (PMID: 18466115)

Literature cited by the submitters: PubMed 17576681 (cited by Labcorp Genetics (formerly Invitae), Labcorp); PubMed 9536098 (cited by Labcorp Genetics (formerly Invitae), Labcorp).

NM_000368.5(TSC1):c.2975+1G>A

Gene: TSC1 (TSC complex subunit 1; minus strand). Cytogenetic location: 9q34.13.
Variant type: single nucleotide variant.
Coding change: c.2975+1G>A on transcript NM_000368.5 (MANE Select); the canonical splice donor site of the intron after coding-DNA position 2975, G replaced by A.
Molecular consequence: splice donor variant.
Genome position (GRCh38, 1-based): chr9:132,897,183, C>T on the plus strand (G>A on the coding strand, the complement: TSC1 is on the minus strand). VCF-style: chr9-132897183-C-T. GRCh37 (hg19) VCF-style: chr9-135772570-C-T.
Other names: c.2609+1G>A (NM_001406620.1, NM_001406621.1, NM_001406622.1 and 1 more transcripts); c.2612+1G>A (NM_001406618.1, NM_001406617.1, NM_001406619.1 and 4 more transcripts); c.2567+1G>A (NM_001406625.1); c.2777+1G>A (NM_001406613.1); c.2819+1G>A (NM_001406612.1, NM_001406611.1); c.2822+1G>A (NM_001406610.1, NM_001162427.2); c.2021+1G>A (NM_001406627.1, NM_001406628.1); c.1922+1G>A (NM_001406629.1, NM_001406630.1); and 8 more.
Identifiers: ClinVar variation 2428914 (VCV002428914.12), dbSNP rs2538473085, ClinGen allele CA375368186.